The following is an entry in ClinVar:

NM_001376.5(DYNC1H1):c.6703C>A (p.Arg2235Ser)

Gene: DYNC1H1 (dynein cytoplasmic 1 heavy chain 1; plus strand). Cytogenetic location: 14q32.31.
Variant type: single nucleotide variant.
Coding change: c.6703C>A on transcript NM_001376.5 (MANE Select); coding-DNA position 6703, C replaced by A.
Protein change: p.Arg2235Ser; replaces arginine 2235 with serine.
Molecular consequence: missense variant.
Genome position (GRCh38, 1-based): chr14:102,011,959, C>A. VCF-style: chr14-102011959-C-A. GRCh37 (hg19) VCF-style: chr14-102478296-C-A.
Other names: short protein forms R2235S.
Identifiers: ClinVar variation 3673181 (VCV003673181.2).

ClinVar aggregate classification (germline): Uncertain significance (1 of 4 stars; one submission).

Conditions:
Charcot-Marie-Tooth disease axonal type 2O. Also called: CHARCOT-MARIE-TOOTH NEUROPATHY, AXONAL, TYPE 2O; CHARCOT-MARIE-TOOTH DISEASE, AXONAL, AUTOSOMAL DOMINANT, TYPE 2O; Charcot-Marie-Tooth Neuropathy Type 2O; Charcot-Marie-Tooth disease, axonal, type 20. Identifiers: Orphanet 284232, MedGen C3280220, MONDO:0013644, OMIM 614228.

Submission:

Labcorp Genetics (formerly Invitae), Labcorp
Classification: Uncertain significance for Charcot-Marie-Tooth disease axonal type 2O. Last evaluated: 2024-02-15. Review status: criteria provided, single submitter. Criteria: Invitae Variant Classification Sherloc (09022015). Collection method: clinical testing. Allele origin: germline.
Comment: This sequence change replaces arginine, which is basic and polar, with serine, which is neutral and polar, at codon 2235 of the DYNC1H1 protein (p.Arg2235Ser). This variant is not present in population databases (gnomAD no frequency). This variant has not been reported in the literature in individuals affected with DYNC1H1-related conditions. Advanced modeling of protein sequence and biophysical properties (such as structural, functional, and spatial information, amino acid conservation, physicochemical variation, residue mobility, and thermodynamic stability) performed at Invitae indicates that this missense variant is not expected to disrupt DYNC1H1 protein function with a negative predictive value of 95%. In summary, the available evidence is currently insufficient to determine the role of this variant in disease. Therefore, it has been classified as a Variant of Uncertain Significance.